The following is an entry in ClinVar:

ClinVar aggregate classification (germline): Uncertain significance (1 of 4 stars; one submission).

Conditions:
Werner syndrome (WRN). Identifiers: Orphanet 902, MedGen C0043119, MONDO:0010196, OMIM 277700.

Submission:

Institute of Human Genetics, University of Leipzig Medical Center
Classification: Uncertain significance for Werner syndrome. Last evaluated: 2026-07-23. Review status: criteria provided, single submitter. Criteria: ACMG Guidelines, 2015. Collection method: clinical testing. Allele origin: unknown. Inheritance: Autosomal recessive inheritance. Affected: yes.
Comment: Criteria applied: PS1_MOD,PM2,PP3

NM_000553.6(WRN):c.1720+5G>T

Gene: WRN (WRN RecQ like helicase; plus strand). Cytogenetic location: 8p12.
Variant type: single nucleotide variant.
Coding change: c.1720+5G>T on transcript NM_000553.6 (MANE Select); 5 bases into the intron after coding-DNA position 1720, G replaced by T.
Molecular consequence: intron variant.
Genome position (GRCh38, 1-based): chr8:31,090,537, G>T. VCF-style: chr8-31090537-G-T. GRCh37 (hg19) VCF-style: chr8-30948053-G-T.
Identifiers: ClinVar variation 4890727 (VCV004890727.1).